The following is an entry in ClinVar:

ClinVar aggregate classification (germline): Uncertain significance. Review status: criteria provided, multiple submitters, no conflicts (2 of 4 stars). 2 submissions from 2 submitters: Uncertain significance (2). Last evaluated 2025-11-12.

gnomAD v4.1: 80 of 1,609,918 alleles (0.005%); highest among the groups gnomAD compares: Non-Finnish European, 0.0058%; no homozygotes.

Submissions (2):

Ambry Genetics
Classification: Uncertain significance. Last evaluated: 2025-11-12. Review status: criteria provided, single submitter. Criteria: Ambry Variant Classification Scheme 2023. Collection method: clinical testing. Allele origin: germline.

GeneDx
Classification: Uncertain significance. Last evaluated: 2025-01-15. Review status: criteria provided, single submitter. Criteria: GeneDx Variant Classification Process June 2021. Collection method: clinical testing. Allele origin: germline. Affected: yes.
Comment: In silico analysis supports that this missense variant has a deleterious effect on protein structure/function; Has not been previously published as pathogenic or benign to our knowledge

NM_015656.2(KIF26A):c.2807C>T (p.Pro936Leu)

Gene: KIF26A (kinesin family member 26A; plus strand). Cytogenetic location: 14q32.33.
Variant type: single nucleotide variant.
Coding change: c.2807C>T on transcript NM_015656.2 (MANE Select); coding-DNA position 2807, C replaced by T.
Protein change: p.Pro936Leu; replaces proline 936 with leucine.
Molecular consequence: missense variant.
Genome position (GRCh38, 1-based): chr14:104,175,595, C>T. VCF-style: chr14-104175595-C-T. GRCh37 (hg19) VCF-style: chr14-104641932-C-T.
Other names: short protein forms P936L.
Identifiers: ClinVar variation 4070689 (VCV004070689.2).